The following is an entry in ClinVar:

NM_000059.4(BRCA2):c.682-254dup

Gene: BRCA2 (BRCA2 DNA repair associated; plus strand). Cytogenetic location: 13q13.1.
Variant type: Duplication.
Coding change: c.682-254dup on transcript NM_000059.4 (MANE Select); 254 bases into the intron before coding-DNA position 682, one base duplicated (T; older notation c.682-254dupT).
Molecular consequence: intron variant.
Genome position (GRCh38, 1-based): chr13:32,330,665, T duplicated; the last of 9 consecutive T bases (chr13:32,330,657-32,330,665); duplicating any one gives the same sequence. VCF-style (leftmost placement, unchanged base first): chr13-32330656-G-GT. GRCh37 (hg19) VCF-style: chr13-32904793-G-GT.
Other names: IVS 8-263insT; c.682-263_682-262insT (NM_000059.3).
Identifiers: ClinVar variation 209667 (VCV000209667.1), dbSNP rs200970975, ClinGen allele CA276636.

ClinVar aggregate classification (germline): Benign (3 of 4 stars; one submission).

Conditions:
Breast-ovarian cancer, familial, susceptibility to, 2 (BROVCA2). Also called: BRCA2 Hereditary Breast and Ovarian Cancer. Identifiers: Orphanet 145, MedGen C2675520, MONDO:0012933, OMIM 612555. Disease mechanism: loss of function.

Submission:

Evidence-based Network for the Interpretation of Germline Mutant Alleles (ENIGMA)
Classification: Benign for Breast-ovarian cancer, familial 2. Last evaluated: 2015-01-12. Review status: reviewed by expert panel. Criteria: ENIGMA BRCA1/2 Classification Criteria (2015). Collection method: curation. Allele origin: germline.
Comment: Class 1 not pathogenic based on frequency >1% in an outbred sampleset. Frequency 0.02 (European), derived from 1000 genomes (2012-04-30).